The following is an entry in ClinVar:

NM_002075.4(GNB3):c.287G>A (p.Arg96His)

Gene: GNB3 (G protein subunit beta 3; plus strand). Cytogenetic location: 12p13.31.
Variant type: single nucleotide variant.
Coding change: c.287G>A on transcript NM_002075.4 (MANE Select); coding-DNA position 287, G replaced by A.
Protein change: p.Arg96His; replaces arginine 96 with histidine.
Molecular consequence: missense variant.
Genome position (GRCh38, 1-based): chr12:6,843,382, G>A. VCF-style: chr12-6843382-G-A. GRCh37 (hg19) VCF-style: chr12-6952546-G-A.
Other names: c.287G>A, p.Arg96His (NM_001297571.2); c.287G>A (NM_002075.2); short protein forms R96H.
Identifiers: ClinVar variation 1941024 (VCV001941024.7), dbSNP rs1555123815, ClinGen allele CA383672255.

ClinVar aggregate classification (germline): Uncertain significance. Review status: criteria provided, multiple submitters, no conflicts (2 of 4 stars). 3 submissions from 3 submitters: Uncertain significance (3). Last evaluated 2024-02-15.

Conditions:
Inborn genetic diseases. Identifiers: MedGen C0950123, MeSH D030342.

Allele frequency attached by ClinVar (database versions not stated): gnomAD exomes below 0.00001; TOPMed 0.00001.
gnomAD v4.1: 5 of 1,614,148 alleles (0.00031%); highest among the groups gnomAD compares: Non-Finnish European, 0.00025%; no homozygotes.

Submissions (3):

Labcorp Genetics (formerly Invitae), Labcorp
Classification: Uncertain significance. Last evaluated: 2024-02-15. Review status: criteria provided, single submitter. Criteria: Invitae Variant Classification Sherloc (09022015). Collection method: clinical testing. Allele origin: germline.
Comment: This sequence change replaces arginine, which is basic and polar, with histidine, which is basic and polar, at codon 96 of the GNB3 protein (p.Arg96His). This variant is not present in population databases (gnomAD no frequency). This variant has not been reported in the literature in individuals affected with GNB3-related conditions. ClinVar contains an entry for this variant (Variation ID: 1941024). Advanced modeling of protein sequence and biophysical properties (such as structural, functional, and spatial information, amino acid conservation, physicochemical variation, residue mobility, and thermodynamic stability) performed at Invitae indicates that this missense variant is not expected to disrupt GNB3 protein function with a negative predictive value of 80%. In summary, the available evidence is currently insufficient to determine the role of this variant in disease. Therefore, it has been classified as a Variant of Uncertain Significance.

Ambry Genetics
Classification: Uncertain significance for Inborn genetic diseases. Last evaluated: 2023-10-30. Review status: criteria provided, single submitter. Criteria: Ambry Variant Classification Scheme 2023. Collection method: clinical testing. Allele origin: germline.

Blueprint Genetics
Classification: Uncertain significance. Last evaluated: 2018-08-09. Review status: criteria provided, single submitter. Criteria: ACMG Guidelines, 2015. Collection method: clinical testing. Allele origin: germline.